The following is an entry in ClinVar:

ClinVar aggregate classification (germline): Pathogenic (0 of 4 stars; one submission).

Conditions:
Congenital ATN1 related disorder.

Submission:

Sydney Children's Hospital, SCHN
Classification: Pathogenic for Congenital ATN1 related disorder. Last evaluated: 2018-01-04. Review status: no assertion criteria provided. Collection method: clinical testing. Allele origin: de novo. Affected: yes.

NM_001940.4(ATN1):c.3188T>G (p.Leu1063Arg)

Gene: ATN1 (atrophin 1; plus strand). Cytogenetic location: 12p13.31.
Variant type: single nucleotide variant.
Coding change: c.3188T>G on transcript NM_001940.4 (MANE Select); coding-DNA position 3188, T replaced by G.
Protein change: p.Leu1063Arg; replaces leucine 1063 with arginine.
Molecular consequence: missense variant.
Genome position (GRCh38, 1-based): chr12:6,939,151, T>G. VCF-style: chr12-6939151-T-G. GRCh37 (hg19) VCF-style: chr12-7048314-T-G.
Other names: c.3188T>G, p.Leu1063Arg (NM_001007026.2); short protein forms L1063R.
Identifiers: ClinVar variation 487498 (VCV000487498.2), dbSNP rs1555144360, ClinGen allele CA383741345.
Genomic context (GRCh38, chr12:6,939,151, plus strand): 5'-AGATGCTCAATGTGACTCCCCATCACCACCAGCACTCCCACATCCACTCGCACCTGCACC[T>G]GCACCAGCAAGATGCTATCCATGCAGGTGAGACCCCTCCTTCCTTGCCCTGGCCCTTTGG-3'
Protein context (NP_001931.2, residues 1053-1073): QHSHIHSHLH[Leu1063Arg]HQQDAIHAAS